The following is an entry in ClinVar:

NM_000540.3(RYR1):c.906C>T (p.Asp302=)

Gene: RYR1 (ryanodine receptor 1; plus strand). Cytogenetic location: 19q13.2.
Variant type: single nucleotide variant.
Coding change: c.906C>T on transcript NM_000540.3 (MANE Select); coding-DNA position 906, C replaced by T.
Protein change: p.Asp302=; no amino-acid change (aspartic acid 302 retained).
Molecular consequence: synonymous variant.
Genome position (GRCh38, 1-based): chr19:38,448,460, C>T. VCF-style: chr19-38448460-C-T. GRCh37 (hg19) VCF-style: chr19-38939100-C-T.
Other names: p.Asp302=; c.906C>T, p.Asp302= (NM_001042723.2).
Identifiers: ClinVar variation 159863 (VCV000159863.27), dbSNP rs145943283, ClinGen allele CA024962.
Genomic context (GRCh38, chr19:38,448,460, plus strand): 5'-GCATGTCACTACCGGGCAGTACCTAGCGCTCACCGAGGACCAGGGCCTGGTGGTGGTTGA[C>T]GCCAGCAAGGCTCACACCAAGGCTACCTCCTTCTGCTTCCGCATCTCCAAGGTCAGTGGG-3'
Protein context (NP_000531.2, residues 292-312): LTEDQGLVVV[Asp302=]ASKAHTKATS

ClinVar aggregate classification (germline): Benign/Likely benign. Review status: criteria provided, multiple submitters, no conflicts (2 of 4 stars). 12 submissions from 10 submitters: Benign (10); Likely benign (2). Last evaluated 2026-01-24.

Conditions:
King Denborough syndrome (KDS). Identifiers: MedGen C1840365, MONDO:0020485, OMIM 619542.
Malignant hyperthermia, susceptibility to, 1 (MHS1). Also called: Anesthesia related hyperthermia; Malignant hyperpyrexia; Fulminating hyperpyrexia; Pharmacogenic myopathy; RYR1-Related Malignant Hyperthermia Susceptibility; Malignant hyperthermia suceptibility 1. Identifiers: Orphanet 423, MedGen C2930980, MONDO:0007783, OMIM 145600.
Central core myopathy (CMYO1A). Also called: Central core disease; Myopathy, central fibrillar; CONGENITAL MYOPATHY 1A, AUTOSOMAL DOMINANT, WITH SUSCEPTIBILITY TO MALIGNANT HYPERTHERMIA. Identifiers: Orphanet 597, MedGen C5830701, MONDO:0007294, OMIM 117000.
Congenital multicore myopathy with external ophthalmoplegia (CMYO1B). Also called: Congenital myopathy 1B, autosomal recessive; Minicore myopathy; MULTICORE MYOPATHY; Minicore myopathy with external ophthalmoplegia; MULTIMINICORE DISEASE WITH EXTERNAL OPHTHALMOPLEGIA. Identifiers: Orphanet 598, Orphanet 98905, MedGen C1850674, MONDO:0009712, OMIM 255320, HP:0003789.
Congenital myopathy with fiber type disproportion. Also called: Congenital fiber-type disproportion myopathy; Congenital fiber-type disproportion. Identifiers: Orphanet 2020, MedGen C0546264, MONDO:0009711. Inheritance: all.
RYR1-related disorder. Also called: RYR1-related disorders; RYR1-related condition. Identifiers: MedGen CN239331.

Allele frequency attached by ClinVar (database versions not stated): gnomAD exomes 0.00088 and 0.00215; ExAC 0.00246; gnomAD 0.00712 and 0.00765; 1000 Genomes Project 30x 0.00734; 1000 Genomes Project 0.00759; TOPMed 0.00835; ESP Exome Variant Server 0.00838.
gnomAD v4.1: 2,441 of 1,613,838 alleles (0.15%); highest among the groups gnomAD compares: African/African-American, 2.4%; 24 homozygotes.

Submissions (12):

Labcorp Genetics (formerly Invitae), Labcorp
Classification: Benign for RYR1-related disorder. Last evaluated: 2026-01-24. Review status: criteria provided, single submitter. Criteria: Invitae Variant Classification Sherloc (09022015). Collection method: clinical testing. Allele origin: germline.

Blueprint Genetics
Classification: Likely benign. Last evaluated: 2024-11-27. Review status: criteria provided, single submitter. Criteria: ACMG Guidelines, 2015. Collection method: clinical testing. Allele origin: germline.

Mayo Clinic Laboratories, Mayo Clinic
Classification: Benign. Last evaluated: 2022-02-25. Review status: criteria provided, single submitter. Criteria: ACMG Guidelines, 2015. Collection method: clinical testing. Allele origin: germline. Observed: 7 variant alleles.
Comment: BS1, BS2, BP4, BP7

Genetic Services Laboratory, University of Chicago
Classification: Benign. Last evaluated: 2021-12-08. Review status: criteria provided, single submitter. Criteria: ACMG Guidelines, 2015. Collection method: clinical testing. Allele origin: germline. Affected: no.

Fulgent Genetics
Classification: Benign for Central core myopathy; Malignant hyperthermia, susceptibility to, 1; Congenital myopathy 4A, autosomal dominant; Congenital multicore myopathy with external ophthalmoplegia; King Denborough syndrome. Last evaluated: 2021-07-19. Review status: criteria provided, single submitter. Criteria: ACMG Guidelines, 2015. Collection method: clinical testing. Allele origin: unknown.

Color Diagnostics, LLC DBA Color Health
Classification: Benign for Malignant hyperthermia, susceptibility to, 1. Last evaluated: 2019-03-29. Review status: criteria provided, single submitter. Criteria: ACMG Guidelines, 2015. Collection method: clinical testing. Allele origin: germline.

PreventionGenetics, part of Exact Sciences
Classification: Benign. Last evaluated: 2018-03-12. Review status: criteria provided, single submitter. Criteria: ACMG Guidelines, 2015. Collection method: clinical testing. Allele origin: germline.

Illumina Laboratory Services, Illumina
Classification: Benign for Congenital multicore myopathy with external ophthalmoplegia. Last evaluated: 2018-01-13. Review status: criteria provided, single submitter. Criteria: ICSL Variant Classification Criteria 13 December 2019. Collection method: clinical testing. Allele origin: germline.
Comment: This variant was observed in the ICSL laboratory as part of a predisposition screen in an ostensibly healthy population. It had not been previously curated by ICSL or reported in the Human Gene Mutation Database (HGMD: prior to June 1st, 2018), and was therefore a candidate for classification through an automated scoring system. Utilizing variant allele frequency, disease prevalence and penetrance estimates, and inheritance mode, an automated score was calculated to assess if this variant is too frequent to cause the disease. Based on the score and internal cut-off values, a variant classified as benign is not then subjected to further curation. The score for this variant resulted in a classification of benign for this disease.

Illumina Laboratory Services, Illumina
Classification: Benign for Central core myopathy. Last evaluated: 2018-01-13. Review status: criteria provided, single submitter. Criteria: ICSL Variant Classification Criteria 13 December 2019. Collection method: clinical testing. Allele origin: germline.
Comment: the same text as in the submission from Illumina Laboratory Services, Illumina above.

Illumina Laboratory Services, Illumina
Classification: Benign for Malignant hyperthermia, susceptibility to, 1. Last evaluated: 2018-01-13. Review status: criteria provided, single submitter. Criteria: ICSL Variant Classification Criteria 13 December 2019. Collection method: clinical testing. Allele origin: germline.
Comment: the same text as in the submission from Illumina Laboratory Services, Illumina above.

GeneDx
Classification: Benign. Last evaluated: 2016-08-05. Review status: criteria provided, single submitter. Criteria: GeneDx Variant Classification (06012015). Collection method: clinical testing. Allele origin: germline. Affected: yes.
Comment: This variant is considered likely benign or benign based on one or more of the following criteria: it is a conservative change, it occurs at a poorly conserved position in the protein, it is predicted to be benign by multiple in silico algorithms, and/or has population frequency not consistent with disease.

Breakthrough Genomics
Classification: Likely benign. Review status: criteria provided, single submitter. Criteria: ACMG Guidelines, 2015. Collection method: not provided. Allele origin: germline. Inheritance: Autosomal recessive inheritance. Affected: yes.